The following is an entry in ClinVar:

ClinVar aggregate classification (germline): Likely pathogenic (1 of 4 stars; one submission).

Conditions:
TTN-related disorder. Also called: TTN-related disorders; TTN-related condition; TTN-related disease.

Submission:

3billion
Classification: Likely pathogenic for TTN-related disorder. Last evaluated: 2026-01-13. Review status: criteria provided, single submitter. Criteria: ACMG Guidelines, 2015. Collection method: clinical testing. Allele origin: germline. Affected: yes.
Comment: The variant is not observed in the gnomAD v4.1.0 dataset. Predicted Consequence/Location: Frameshift: predicted to result in a loss or disruption of normal protein function through nonsense-mediated decay (NMD) or protein truncation. Multiple pathogenic variants are reported downstream of the variant. Therefore, this variant is classified as Likely pathogenic according to the recommendation of ACMG/AMP guideline.

NM_001267550.2(TTN):c.82757_82758del (p.Ser27586fs)

Genes: TTN (titin; minus strand), TTN-AS1 (TTN antisense RNA 1; plus strand). Cytogenetic location: 2q31.2.
Variant type: Deletion.
Coding change: c.82757_82758del on transcript NM_001267550.2 (MANE Select); coding-DNA positions 82757 to 82758, 2 bases deleted (CT; older notation c.82757_82758delCT).
Protein change: p.Ser27586fs; shifts the reading frame from serine 27586.
Molecular consequence: frameshift variant.
Genome position (GRCh38, 1-based): chr2:178,563,374-178,563,375, AG deleted on the plus strand (CT on the coding strand, the reverse complement: TTN is on the minus strand); deleting any 2 consecutive bases within chr2:178,563,374-178,563,376 gives the same sequence; the c. name uses the placement nearest the transcript's 3' end. VCF-style (leftmost placement, unchanged base first): chr2-178563373-CAG-C. GRCh37 (hg19) VCF-style: chr2-179428100-CAG-C.
Other names: c.77834_77835del, p.Ser25945fs (NM_001256850.1); c.55562_55563del, p.Ser18521fs (NM_003319.4); c.75053_75054del, p.Ser25018fs (NM_133378.4); c.55937_55938del, p.Ser18646fs (NM_133432.3); c.56138_56139del, p.Ser18713fs (NM_133437.4); short protein forms S18521fs, S18646fs, S18713fs, S25018fs, S25945fs, S27586fs.
Identifiers: ClinVar variation 4854599 (VCV004854599.1).